The following is an entry in ClinVar:

NM_001844.5(COL2A1):c.2939G>C (p.Arg980Thr)

Gene: COL2A1 (collagen type II alpha 1 chain; minus strand). Cytogenetic location: 12q13.11.
Variant type: single nucleotide variant.
Coding change: c.2939G>C on transcript NM_001844.5 (MANE Select); coding-DNA position 2939, G replaced by C.
Protein change: p.Arg980Thr; replaces arginine 980 with threonine.
Molecular consequence: missense variant.
Genome position (GRCh38, 1-based): chr12:47,978,355, C>G on the plus strand (G>C on the coding strand, the complement: COL2A1 is on the minus strand). VCF-style: chr12-47978355-C-G. GRCh37 (hg19) VCF-style: chr12-48372138-C-G.
Other names: c.2732G>C, p.Arg911Thr (NM_033150.3); short protein forms R911T, R980T.
Identifiers: ClinVar variation 1306140 (VCV001306140.5), dbSNP rs1457365714, ClinGen allele CA384541389.

ClinVar aggregate classification (germline): Uncertain significance. Review status: criteria provided, multiple submitters, no conflicts (2 of 4 stars). 2 submissions from 2 submitters: Uncertain significance (2). Last evaluated 2024-08-23.

Submissions (2):

Labcorp Genetics (formerly Invitae), Labcorp
Classification: Uncertain significance. Last evaluated: 2024-08-23. Review status: criteria provided, single submitter. Criteria: Invitae Variant Classification Sherloc (09022015). Collection method: clinical testing. Allele origin: germline.
Comment: This sequence change replaces arginine, which is basic and polar, with threonine, which is neutral and polar, at codon 980 of the COL2A1 protein (p.Arg980Thr). This variant is not present in population databases (gnomAD no frequency). This variant has not been reported in the literature in individuals affected with COL2A1-related conditions. ClinVar contains an entry for this variant (Variation ID: 1306140). Invitae Evidence Modeling of protein sequence and biophysical properties (such as structural, functional, and spatial information, amino acid conservation, physicochemical variation, residue mobility, and thermodynamic stability) indicates that this missense variant is expected to disrupt COL2A1 protein function with a positive predictive value of 80%. In summary, the available evidence is currently insufficient to determine the role of this variant in disease. Therefore, it has been classified as a Variant of Uncertain Significance.

GeneDx
Classification: Uncertain significance. Last evaluated: 2019-05-21. Review status: criteria provided, single submitter. Criteria: GeneDx Variant Classification Process June 2021. Collection method: clinical testing. Allele origin: germline. Affected: yes.
Comment: Not observed in large population cohorts (Lek et al., 2016); In silico analysis, which includes protein predictors and evolutionary conservation, supports a deleterious effect; Has not been previously published as pathogenic or benign to our knowledge